The following is an entry in ClinVar:

ClinVar aggregate classification (germline): Benign. Review status: criteria provided, single submitter (1 of 4 stars). 3 submissions from 3 submitters: Benign (1). 2 of the submissions do not count toward it. Last evaluated 2025-10-29.

Conditions:
NEUROD1-related disorder. Also called: NEUROD1-related condition.
Maturity-onset diabetes of the young type 6 (MODY6). Identifiers: Orphanet 552, MedGen C1853371, MONDO:0011668, OMIM 606394.

Allele frequency attached by ClinVar (database versions not stated): gnomAD 0.00004 and 0.00013; gnomAD exomes 0.00005 and 0.00020; TOPMed 0.00006; ExAC 0.00016; 1000 Genomes Project 30x 0.00094; 1000 Genomes Project 0.00120.
gnomAD v4.1: 122 of 1,614,200 alleles (0.0076%); highest among the groups gnomAD compares: East Asian, 0.13%; no homozygotes.

Submissions (3):

Labcorp Genetics (formerly Invitae), Labcorp
Classification: Benign. Last evaluated: 2025-10-29. Review status: criteria provided, single submitter. Criteria: Invitae Variant Classification Sherloc (09022015). Collection method: clinical testing. Allele origin: germline.

PreventionGenetics, part of Exact Sciences
Classification: Likely benign for NEUROD1-related condition. Last evaluated: 2020-07-31. Review status: no assertion criteria provided. Collection method: clinical testing. Allele origin: germline. Not counted in ClinVar's aggregate classification.
Comment: This variant is classified as likely benign based on ACMG/AMP sequence variant interpretation guidelines (Richards et al. 2015 PMID: 25741868, with internal and published modifications).

Bioscientia Institut fuer Medizinische Diagnostik GmbH, Sonic Healthcare
Classification: Uncertain significance for Maturity-onset diabetes of the young type 6. Last evaluated: 2018-09-19. Review status: no assertion criteria provided. Collection method: clinical testing. Allele origin: germline. Affected: yes. Not counted in ClinVar's aggregate classification.

NM_002500.5(NEUROD1):c.751G>T (p.Ala251Ser)

Gene: NEUROD1 (neuronal differentiation 1; minus strand). Cytogenetic location: 2q31.3.
Variant type: single nucleotide variant.
Coding change: c.751G>T on transcript NM_002500.5 (MANE Select); coding-DNA position 751, G replaced by T.
Protein change: p.Ala251Ser; replaces alanine 251 with serine.
Molecular consequence: missense variant.
Genome position (GRCh38, 1-based): chr2:181,678,110, C>A on the plus strand (G>T on the coding strand, the complement: NEUROD1 is on the minus strand). VCF-style: chr2-181678110-C-A. GRCh37 (hg19) VCF-style: chr2-182542837-C-A.
Other names: short protein forms A251S.
Identifiers: ClinVar variation 635415 (VCV000635415.13), dbSNP rs375390710, ClinGen allele CA2011068.
Genomic context (GRCh38, chr2:181,678,110, plus strand): 5'-CATCAAAGGAAGGGCTGGTGCAATCAGTCAGAGGGCTTTCAAAGAAGGGCTCCAGCGCTG[C>A]GCTGTAGGCGTGCGGCGGAGGCTTAACGTGGAAGACATGGGAGCTGTCCATGGTACCGTA-3'
Protein context (NP_002491.3, residues 241-261): HVKPPPHAYS[Ala251Ser]ALEPFFESPL